The following is an entry in ClinVar:

NM_020297.4(ABCC9):c.2238-9A>C

Gene: ABCC9 (ATP binding cassette subfamily C member 9; minus strand). Cytogenetic location: 12p12.1.
Variant type: single nucleotide variant.
Coding change: c.2238-9A>C on transcript NM_020297.4 (MANE Select); 9 bases into the intron before coding-DNA position 2238, A replaced by C.
Molecular consequence: intron variant.
Genome position (GRCh38, 1-based): chr12:21,863,063, T>G on the plus strand (A>C on the coding strand, the complement: ABCC9 is on the minus strand). VCF-style: chr12-21863063-T-G. GRCh37 (hg19) VCF-style: chr12-22015997-T-G.
Other names: c.1374-12A>C (NM_001377274.1); c.2238-9A>C (NM_005691.4, NM_001377273.1, NM_020297.3).
Identifiers: ClinVar variation 4724434 (VCV004724434.2).

ClinVar aggregate classification (germline): Likely benign. Review status: criteria provided, multiple submitters, no conflicts (2 of 4 stars). 2 submissions from 2 submitters: Likely benign (2). Last evaluated 2025-12-08.

Conditions:
ABCC9-related disorder. Also called: ABCC9-related condition; ABCC9-related disorders.
Dilated cardiomyopathy 1O (CMD1O). Also called: CARDIOMYOPATHY, DILATED, WITH VENTRICULAR TACHYCARDIA. Identifiers: Orphanet 154, MedGen C1837839, MONDO:0012062, OMIM 608569.

Submissions (2):

Labcorp Genetics (formerly Invitae), Labcorp
Classification: Likely benign for Dilated cardiomyopathy 1O. Last evaluated: 2025-12-08. Review status: criteria provided, single submitter. Criteria: Invitae Variant Classification Sherloc (09022015). Collection method: clinical testing. Allele origin: germline.

PreventionGenetics, part of Exact Sciences
Classification: Likely benign for ABCC9-related condition. Last evaluated: 2024-11-06. Review status: criteria provided, single submitter. Criteria: ACMG Guidelines, 2015. Collection method: clinical testing. Allele origin: germline.
Comment: This variant is classified as likely benign based on ACMG/AMP sequence variant interpretation guidelines (Richards et al. 2015 PMID: 25741868, with internal and published modifications).